The following is an entry in ClinVar:

ClinVar aggregate classification (germline): Uncertain significance. Review status: criteria provided, multiple submitters, no conflicts (2 of 4 stars). 3 submissions from 3 submitters: Uncertain significance (3). Last evaluated 2024-02-28.

Conditions:
Renal tubular dysgenesis of genetic origin. Also called: PRIMITIVE RENAL TUBULE SYNDROME. Identifiers: Orphanet 97369, MedGen C5681536, MONDO:0009970, OMIM 267430.
Microvascular complications of diabetes, susceptibility to, 3. Identifiers: MedGen C2675470, MONDO:0012963, OMIM 612624.
Hemorrhage, intracerebral, susceptibility to (ICH). Also called: Stroke, hemorrhagic, susceptibility to. Identifiers: MedGen C3281105, MONDO:0100533, OMIM 614519.
ACE-related disorder. Also called: ACE-related disorders; ACE-related condition.
Inborn genetic diseases. Identifiers: MedGen C0950123, MeSH D030342.

Allele frequency attached by ClinVar (database versions not stated): ExAC 0.00001; gnomAD 0.00001; TOPMed 0.00001.
gnomAD v4.1: 9 of 1,613,592 alleles (0.00056%); highest among the groups gnomAD compares: Non-Finnish European, 0.00076%; no homozygotes.

Submissions (3):

Fulgent Genetics
Classification: Uncertain significance for Renal tubular dysgenesis of genetic origin; Microvascular complications of diabetes, susceptibility to, 3; Hemorrhage, intracerebral, susceptibility to. Last evaluated: 2024-02-28. Review status: criteria provided, single submitter. Criteria: ACMG Guidelines, 2015. Collection method: clinical testing. Allele origin: germline.

PreventionGenetics, part of Exact Sciences
Classification: Uncertain significance for ACE-related condition. Last evaluated: 2023-08-18. Review status: criteria provided, single submitter. Criteria: ACMG Guidelines, 2015. Collection method: clinical testing. Allele origin: germline.
Comment: The ACE c.3603C>A variant is predicted to result in the amino acid substitution p.Phe1201Leu. To our knowledge, this variant has not been reported in the literature. This variant is reported in 0.00089% of alleles in individuals of European (Non-Finnish) descent in gnomAD. At this time, the clinical significance of this variant is uncertain due to the absence of conclusive functional and genetic evidence.

Ambry Genetics
Classification: Uncertain significance for Inborn genetic diseases. Last evaluated: 2023-01-24. Review status: criteria provided, single submitter. Criteria: Ambry Variant Classification Scheme 2023. Collection method: clinical testing. Allele origin: germline.

NM_000789.4(ACE):c.3603C>A (p.Phe1201Leu)

Gene: ACE (angiotensin I converting enzyme; plus strand). Cytogenetic location: 17q23.3.
Variant type: single nucleotide variant.
Coding change: c.3603C>A on transcript NM_000789.4 (MANE Select); coding-DNA position 3603, C replaced by A.
Protein change: p.Phe1201Leu; replaces phenylalanine 1201 with leucine.
Molecular consequence: missense variant. On other transcripts: non-coding transcript variant (1).
Genome position (GRCh38, 1-based): chr17:63,496,897, C>A. VCF-style: chr17-63496897-C-A. GRCh37 (hg19) VCF-style: chr17-61574258-C-A.
Other names: c.1758C>A, p.Phe586Leu (NM_001178057.2); c.3036C>A, p.Phe1012Leu (NM_001382700.1); c.2751C>A, p.Phe917Leu (NM_001382701.1); c.1218C>A, p.Phe406Leu (NM_001382702.1); c.1881C>A, p.Phe627Leu (NM_152830.3); short protein forms F1201L, F406L, F586L, F627L, F917L, F1012L.
Identifiers: ClinVar variation 2478419 (VCV002478419.4), dbSNP rs775204602, ClinGen allele CA8700564.